The following is an entry in ClinVar:

NM_004329.3(BMPR1A):c.334-10C>T

Gene: BMPR1A (bone morphogenetic protein receptor type 1A; plus strand). Cytogenetic location: 10q23.2.
Variant type: single nucleotide variant.
Coding change: c.334-10C>T on transcript NM_004329.3 (MANE Select); 10 bases into the intron before coding-DNA position 334, C replaced by T.
Molecular consequence: intron variant.
Genome position (GRCh38, 1-based): chr10:86,899,784, C>T. VCF-style: chr10-86899784-C-T. GRCh37 (hg19) VCF-style: chr10-88659541-C-T.
Identifiers: ClinVar variation 460495 (VCV000460495.15), dbSNP rs1554888956, ClinGen allele CA658657976.

ClinVar aggregate classification (germline): Likely benign. Review status: criteria provided, multiple submitters, no conflicts (2 of 4 stars). 3 submissions from 3 submitters: Likely benign (3). Last evaluated 2024-08-01.

Conditions:
Juvenile polyposis syndrome (JPS). Identifiers: Orphanet 2929, MedGen C0345893, MONDO:0017380, OMIM 174900.
Hereditary cancer-predisposing syndrome. Also called: Hereditary neoplastic syndrome; Neoplastic Syndromes, Hereditary; Tumor predisposition; Hereditary Cancer Syndrome. Identifiers: Orphanet 140162, MedGen C0027672, MeSH D009386, MONDO:0015356.

Allele frequency attached by ClinVar (database versions not stated): gnomAD 0.00001; gnomAD exomes below 0.00001.
gnomAD v4.1: 1 of 1,607,874 alleles (0.000062%); highest among the groups gnomAD compares: East Asian, 0.0022%; no homozygotes.

Submissions (3):

Myriad Genetics, Inc.
Classification: Likely benign for Juvenile polyposis syndrome. Last evaluated: 2024-08-01. Review status: criteria provided, single submitter. Criteria: Myriad Autosomal Dominant, Autosomal Recessive and X-Linked Classification Criteria (2023). Collection method: clinical testing. Allele origin: unknown.
Comment: This variant is considered likely benign. This variant is intronic and is not expected to impact mRNA splicing.

Labcorp Genetics (formerly Invitae), Labcorp
Classification: Likely benign for Juvenile polyposis syndrome. Last evaluated: 2024-04-16. Review status: criteria provided, single submitter. Criteria: Invitae Variant Classification Sherloc (09022015). Collection method: clinical testing. Allele origin: germline.

Color Diagnostics, LLC DBA Color Health
Classification: Likely benign for Hereditary cancer-predisposing syndrome. Last evaluated: 2020-02-14. Review status: criteria provided, single submitter. Criteria: ACMG Guidelines, 2015. Collection method: clinical testing. Allele origin: germline.